The following is an entry in ClinVar:

ClinVar aggregate classification (germline): Uncertain significance (1 of 4 stars; one submission).

Conditions:
Combined immunodeficiency due to LRBA deficiency. Also called: Common variable immunodeficiency 8, with autoimmunity. Identifiers: Orphanet 445018, MedGen C3553512, MONDO:0013863, OMIM 614700.

Allele frequency attached by ClinVar (database versions not stated): gnomAD exomes below 0.00001 and 0.00001; TOPMed 0.00001.
gnomAD v4.1: 4 of 1,613,330 alleles (0.00025%); highest among the groups gnomAD compares: African/African-American, 0.0027%; no homozygotes.

Submission:

Labcorp Genetics (formerly Invitae), Labcorp
Classification: Uncertain significance for Combined immunodeficiency due to LRBA deficiency. Last evaluated: 2020-02-07. Review status: criteria provided, single submitter. Criteria: Invitae Variant Classification Sherloc (09022015). Collection method: clinical testing. Allele origin: germline.
Comment: In summary, the available evidence is currently insufficient to determine the role of this variant in disease. Therefore, it has been classified as a Variant of Uncertain Significance. Algorithms developed to predict the effect of missense changes on protein structure and function (SIFT, PolyPhen-2, Align-GVGD) all suggest that this variant is likely to be tolerated, but these predictions have not been confirmed by published functional studies and their clinical significance is uncertain. This variant has not been reported in the literature in individuals with LRBA-related conditions. This variant is not present in population databases (ExAC no frequency). This sequence change replaces proline with serine at codon 1474 of the LRBA protein (p.Pro1474Ser). The proline residue is weakly conserved and there is a moderate physicochemical difference between proline and serine.

NM_001364905.1(LRBA):c.4420C>T (p.Pro1474Ser)

Gene: LRBA (LPS responsive beige-like anchor protein; minus strand). Cytogenetic location: 4q31.3.
Variant type: single nucleotide variant.
Coding change: c.4420C>T on transcript NM_001364905.1 (MANE Select); coding-DNA position 4420, C replaced by T.
Protein change: p.Pro1474Ser; replaces proline 1474 with serine.
Molecular consequence: missense variant.
Genome position (GRCh38, 1-based): chr4:150,844,699, G>A on the plus strand (C>T on the coding strand, the complement: LRBA is on the minus strand). VCF-style: chr4-150844699-G-A. GRCh37 (hg19) VCF-style: chr4-151765851-G-A.
Other names: c.4420C>T, p.Pro1474Ser (NM_001199282.3, NM_001367550.1, NM_006726.5); short protein forms P1474S.
Identifiers: ClinVar variation 945058 (VCV000945058.9), dbSNP rs964321808, ClinGen allele CA358450865.